The following is an entry in ClinVar:

NM_017780.4(CHD7):c.1944G>C (p.Lys648Asn)

Genes: CHD7 (chromodomain helicase DNA binding protein 7; plus strand), LOC126860403 (CDK7 strongly-dependent group 2 enhancer GRCh37_chr8:61693034-61694233; plus strand). Cytogenetic location: 8q12.2.
Variant type: single nucleotide variant.
Coding change: c.1944G>C on transcript NM_017780.4 (MANE Select); coding-DNA position 1944, G replaced by C.
Protein change: p.Lys648Asn; replaces lysine 648 with asparagine.
Molecular consequence: missense variant. On other transcripts: intron variant (1).
Genome position (GRCh38, 1-based): chr8:60,781,278, G>C. VCF-style: chr8-60781278-G-C. GRCh37 (hg19) VCF-style: chr8-61693837-G-C.
Other names: c.1716+228G>C (NM_001316690.1); short protein forms K648N.
Identifiers: ClinVar variation 2914527 (VCV002914527.3), dbSNP rs1306794432, ClinGen allele CA371313142.
Genomic context (GRCh38, chr8:60,781,278, plus strand): 5'-ACTAAATAGGAACTCACTGGATGGGTCCCAAGAAGAAAAAAAGAAAAAGAAAAGGTCAAA[G>C]GCAAAAAAAGACCCGAAGGAACCGAAAGAACCCAAGGAGAAAAAAGAGCCCAAGGAACCC-3'
Protein context (NP_060250.2, residues 638-658): QEEKKKKKRS[Lys648Asn]AKKDPKEPKE

ClinVar aggregate classification (germline): Uncertain significance (1 of 4 stars; one submission).

Conditions:
CHARGE syndrome (CHARGE). Also called: Hittner Hirsch Kreh syndrome; CHARGE ASSOCIATION--COLOBOMA, HEART ANOMALY, CHOANAL ATRESIA, RETARDATION, GENITAL AND EAR ANOMALIES; Coloboma, heart anomaly, choanal atresia, retardation, genital and ear anomalies; CHARGE association; Hall-Hittner syndrome. Identifiers: Orphanet 138, MedGen C0265354, MONDO:0008965.

gnomAD v4.1: 1 of 1,563,212 alleles (0.000064%); highest among the groups gnomAD compares: Non-Finnish European, 0.000087%; no homozygotes.

Submission:

Labcorp Genetics (formerly Invitae), Labcorp
Classification: Uncertain significance for CHARGE syndrome. Last evaluated: 2025-08-18. Review status: criteria provided, single submitter. Criteria: Invitae Variant Classification Sherloc (09022015). Collection method: clinical testing. Allele origin: germline.
Comment: This sequence change replaces lysine, which is basic and polar, with asparagine, which is neutral and polar, at codon 648 of the CHD7 protein (p.Lys648Asn). The frequency data for this variant in the population databases is considered unreliable, as metrics indicate poor data quality at this position in the gnomAD database. This variant has not been reported in the literature in individuals affected with CHD7-related conditions. ClinVar contains an entry for this variant (Variation ID: 2914527). Invitae Evidence Modeling of protein sequence and biophysical properties (such as structural, functional, and spatial information, amino acid conservation, physicochemical variation, residue mobility, and thermodynamic stability) indicates that this missense variant is not expected to disrupt CHD7 protein function with a negative predictive value of 80%. In summary, the available evidence is currently insufficient to determine the role of this variant in disease. Therefore, it has been classified as a Variant of Uncertain Significance.